The following is an entry in ClinVar:

ClinVar aggregate classification (germline): Pathogenic (1 of 4 stars; one submission).

Conditions:
Charcot-Marie-Tooth disease type 2. Also called: Charcot-Marie-Tooth type 2. Identifiers: Orphanet 64746, MedGen C0270914, MONDO:0018993.

Submission:

Labcorp Genetics (formerly Invitae), Labcorp
Classification: Pathogenic for Charcot-Marie-Tooth disease type 2. Last evaluated: 2023-02-22. Review status: criteria provided, single submitter. Criteria: Invitae Variant Classification Sherloc (09022015). Collection method: clinical testing. Allele origin: unknown.
Comment: A similar copy number variant has been observed in individual(s) with autosomal recessive AARS-related conditions (PMID: 34446925). For these reasons, this variant has been classified as Pathogenic. This variant is a gross deletion of the genomic region encompassing exon(s) 2-4 of the AARS gene, which includes the initiator codon. This deletion extends beyond the assayed region for this gene and therefore may encompass additional genes. It is expected to result in an absent or disrupted protein product. Loss-of-function variants in AARS are known to be pathogenic (PMID: 25817015, 28493438, 34446925).

Literature cited by the submitters: PubMed 34446925; PubMed 25817015; PubMed 28493438.

NC_000016.9:g.(?_70310369)_(70316666_?)del

Gene: AARS1 (alanyl-tRNA synthetase 1; minus strand). Cytogenetic location: 16q22.1.
Variant type: Deletion.
Identifiers: ClinVar variation 3243566 (VCV003243566.1).